The following is an entry in ClinVar:

NM_001365276.2(TNXB):c.4861G>A (p.Val1621Met)

Gene: TNXB (tenascin XB; minus strand). Cytogenetic location: 6p21.33.
Variant type: single nucleotide variant.
Coding change: c.4861G>A on transcript NM_001365276.2 (MANE Select); coding-DNA position 4861, G replaced by A.
Protein change: p.Val1621Met; replaces valine 1621 with methionine.
Molecular consequence: missense variant.
Genome position (GRCh38, 1-based): chr6:32,072,119, C>T on the plus strand (G>A on the coding strand, the complement: TNXB is on the minus strand). VCF-style: chr6-32072119-C-T. GRCh37 (hg19) VCF-style: chr6-32039896-C-T.
Other names: p.Val1621Met; c.4861G>A, p.Val1621Met (NM_019105.8); short protein forms V1621M.
Identifiers: ClinVar variation 1032816 (VCV001032816.13), dbSNP rs372387718, ClinGen allele CA3734871.

ClinVar aggregate classification (germline): Conflicting classifications of pathogenicity. Review status: criteria provided, conflicting classifications (1 of 4 stars). 5 submissions from 5 submitters: Uncertain significance (4); Likely benign (1). Last evaluated 2025-06-02.

Conditions:
Cardiovascular phenotype. Identifiers: MedGen CN230736.
Ehlers-Danlos syndrome due to tenascin-X deficiency (EDSCLL1). Also called: TNX DEFICIENCY; EHLERS-DANLOS SYNDROME, CLASSIC-LIKE; Ehlers-Danlos syndrome, classic-like, 1; EDS DUE TO TNX DEFICIENCY; TNXB-Related Classical-Like Ehlers-Danlos Syndrome. Identifiers: Orphanet 230839, MedGen C1848029, MONDO:0011670, OMIM 606408.

Allele frequency attached by ClinVar (database versions not stated): TOPMed 0.00005; ESP Exome Variant Server 0.00008.
gnomAD v4.1: 221 of 1,613,060 alleles (0.014%); highest among the groups gnomAD compares: Non-Finnish European, 0.018%; no homozygotes.

Submissions (5):

Ambry Genetics
Classification: Likely benign for Cardiovascular phenotype. Last evaluated: 2025-06-02. Review status: criteria provided, single submitter. Criteria: Ambry Variant Classification Scheme 2023. Collection method: clinical testing. Allele origin: germline.

Women's Health and Genetics/Laboratory Corporation of America, LabCorp
Classification: Uncertain significance. Last evaluated: 2025-05-27. Review status: criteria provided, single submitter. Criteria: LabCorp Variant Classification Summary - May 2015. Collection method: clinical testing. Allele origin: germline.
Comment: Variant summary: TNXB c.4861G>A (p.Val1621Met) results in a conservative amino acid change in the encoded protein sequence. Algorithms developed to predict the effect of missense changes on protein structure and function all suggest that this variant is likely to be tolerated. The variant allele was found at a frequency of 2e-05 in 247800 control chromosomes (gnomAD). The available data on variant occurrences in the general population are insufficient to allow any conclusion about variant significance. To our knowledge, no occurrence of c.4861G>A in individuals affected with Ehlers-Danlos syndrome due to tenascin-X deficiency and no experimental evidence demonstrating its impact on protein function have been reported. ClinVar contains an entry for this variant (Variation ID: 1032816). Based on the evidence outlined above, the variant was classified as uncertain significance.

Mayo Clinic Laboratories, Mayo Clinic
Classification: Uncertain significance. Last evaluated: 2023-03-29. Review status: criteria provided, single submitter. Criteria: ACMG Guidelines, 2015. Collection method: clinical testing. Allele origin: germline. Observed: 1 variant allele.
Comment: BP4

GeneDx
Classification: Uncertain significance. Last evaluated: 2022-05-26. Review status: criteria provided, single submitter. Criteria: GeneDx Variant Classification Process June 2021. Collection method: clinical testing. Allele origin: germline. Affected: yes.
Comment: Has not been previously published as pathogenic or benign to our knowledge; In silico analysis supports that this missense variant does not alter protein structure/function

Baylor Genetics
Classification: Uncertain significance for Ehlers-Danlos syndrome due to tenascin-X deficiency. Last evaluated: 2018-12-24. Review status: criteria provided, single submitter. Criteria: ACMG Guidelines, 2015. Collection method: clinical testing. Allele origin: unknown. Affected: yes.
Comment: This variant was determined to be of uncertain significance according to ACMG Guidelines, 2015 [PMID:25741868].